The following is an entry in ClinVar:

NM_001037.5(SCN1B):c.591-2A>G

Gene: SCN1B (sodium voltage-gated channel beta subunit 1; plus strand). Cytogenetic location: 19q13.11.
Variant type: single nucleotide variant.
Coding change: c.591-2A>G on transcript NM_001037.5 (MANE Select); the canonical splice acceptor site of the intron before coding-DNA position 591, A replaced by G.
Molecular consequence: splice acceptor variant.
Genome position (GRCh38, 1-based): chr19:35,039,633, A>G. VCF-style: chr19-35039633-A-G. GRCh37 (hg19) VCF-style: chr19-35530537-A-G.
Other names: c.492-2A>G (NM_001321605.2).
Identifiers: ClinVar variation 1440787 (VCV001440787.6), dbSNP rs2151749034, ClinGen allele CA405330207.
Genomic context (GRCh38, chr19:35,039,633, plus strand): 5'-TCCCCCGGGGGTTGGGTCGGTCTGATGATGGGGTCACTGTATACCTGGCCTTTCCCCCAC[A>G]GCTCGGAATACCTGGCCATCACCTCTGAAAGCAAAGAGAACTGCACGGGCGTCCAGGTGG-3'

ClinVar aggregate classification (germline): Uncertain significance (1 of 4 stars; one submission).

Conditions:
Brugada syndrome 5 (BRGDA5). Identifiers: Orphanet 130, Orphanet 871, MedGen C2748541, MONDO:0013015, OMIM 612838.

Submission:

Labcorp Genetics (formerly Invitae), Labcorp
Classification: Uncertain significance for Brugada syndrome 5. Last evaluated: 2021-09-07. Review status: criteria provided, single submitter. Criteria: Invitae Variant Classification Sherloc (09022015). Collection method: clinical testing. Allele origin: germline.
Comment: This sequence change affects an acceptor splice site in intron 4 of the SCN1B gene. The SCN1B gene has multiple clinically relevant transcripts. This variant occurs in alternate transcript NM_001037.4, and corresponds to NM_199037.3:c.*5535A>G in the primary transcript. It is expected to disrupt RNA splicing. Variants that disrupt the donor or acceptor splice site typically lead to a loss of protein function (PMID: 16199547), however the current clinical and genetic evidence is not sufficient to establish whether loss-of-function variants in SCN1B cause disease. This variant is not present in population databases (ExAC no frequency). Disruption of this splice site has been observed in individual(s) with clinical features of autosomal recessive SCN1B-related conditions (Invitae). In summary, the available evidence is currently insufficient to determine the role of this variant in disease. Therefore, it has been classified as a Variant of Uncertain Significance.

Literature cited by the submitters: PubMed 16199547.